The following is an entry in ClinVar:

ClinVar aggregate classification (germline): Uncertain significance. Review status: criteria provided, multiple submitters, no conflicts (2 of 4 stars). 2 submissions from 2 submitters: Uncertain significance (2). Last evaluated 2024-09-16.

Conditions:
Hereditary cancer-predisposing syndrome. Also called: Hereditary Cancer Syndrome; Tumor predisposition; Hereditary neoplastic syndrome; Neoplastic Syndromes, Hereditary. Identifiers: Orphanet 140162, MedGen C0027672, MeSH D009386, MONDO:0015356.

gnomAD v4.1: 1 of 1,613,760 alleles (0.000062%); highest among the groups gnomAD compares: East Asian, 0.0022%; no homozygotes.

Submissions (2):

Labcorp Genetics (formerly Invitae), Labcorp
Classification: Uncertain significance. Last evaluated: 2024-09-16. Review status: criteria provided, single submitter. Criteria: Invitae Variant Classification Sherloc (09022015). Collection method: clinical testing. Allele origin: germline.
Comment: This sequence change replaces leucine, which is neutral and non-polar, with phenylalanine, which is neutral and non-polar, at codon 679 of the MSH3 protein (p.Leu679Phe). This variant is present in population databases (no rsID available, gnomAD 0.006%). This variant has not been reported in the literature in individuals affected with MSH3-related conditions. ClinVar contains an entry for this variant (Variation ID: 1041340). An algorithm developed to predict the effect of missense changes on protein structure and function (PolyPhen-2) suggests that this variant is likely to be disruptive. In summary, the available evidence is currently insufficient to determine the role of this variant in disease. Therefore, it has been classified as a Variant of Uncertain Significance.

Ambry Genetics
Classification: Uncertain significance for Hereditary cancer-predisposing syndrome. Last evaluated: 2023-11-05. Review status: criteria provided, single submitter. Criteria: Ambry Variant Classification Scheme 2023. Collection method: clinical testing. Allele origin: germline.
Comment: The p.L679F variant (also known as c.2035C>T), located in coding exon 14 of the MSH3 gene, results from a C to T substitution at nucleotide position 2035. The leucine at codon 679 is replaced by phenylalanine, an amino acid with highly similar properties. This amino acid position is conserved. In addition, the in silico prediction for this alteration is inconclusive. Since supporting evidence is limited at this time, the clinical significance of this alteration remains unclear.

NM_002439.5(MSH3):c.2035C>T (p.Leu679Phe)

Gene: MSH3 (mutS homolog 3; plus strand). Cytogenetic location: 5q14.1.
Variant type: single nucleotide variant.
Coding change: c.2035C>T on transcript NM_002439.5 (MANE Select); coding-DNA position 2035, C replaced by T.
Protein change: p.Leu679Phe; replaces leucine 679 with phenylalanine.
Molecular consequence: missense variant.
Genome position (GRCh38, 1-based): chr5:80,768,071, C>T. VCF-style: chr5-80768071-C-T. GRCh37 (hg19) VCF-style: chr5-80063890-C-T.
Other names: c.2035C>T (NM_002439.3); short protein forms L679F.
Identifiers: ClinVar variation 1041340 (VCV001041340.9), dbSNP rs779690872, ClinGen allele CA360277833.